The following is an entry in ClinVar:

ClinVar aggregate classification (germline): Uncertain significance (1 of 4 stars; one submission).

Conditions:
Leber congenital amaurosis 8 (LCA8). Identifiers: Orphanet 65, MedGen C3151202, MONDO:0013453, OMIM 613835.
Retinitis pigmentosa 12 (RP12). Also called: RP WITH OR WITHOUT PRESERVED PARAARTERIOLE RETINAL PIGMENT EPITHELIUM; RETINITIS PIGMENTOSA WITH OR WITHOUT PARAARTERIOLAR PRESERVATION OF RETINAL PIGMENT EPITHELIUM; RP WITH OR WITHOUT PPRPE. Identifiers: Orphanet 791, MedGen C1838647, MONDO:0010818, OMIM 600105.

Allele frequency attached by ClinVar (database versions not stated): gnomAD 0.00003; TOPMed 0.00004.
gnomAD v4.1: 7 of 1,614,074 alleles (0.00043%); highest among the groups gnomAD compares: Admixed American, 0.012%; no homozygotes.

Submission:

Labcorp Genetics (formerly Invitae), Labcorp
Classification: Uncertain significance for Leber congenital amaurosis 8; Retinitis pigmentosa 12. Last evaluated: 2022-05-27. Review status: criteria provided, single submitter. Criteria: Invitae Variant Classification Sherloc (09022015). Collection method: clinical testing. Allele origin: germline.
Comment: This sequence change replaces proline, which is neutral and non-polar, with serine, which is neutral and polar, at codon 194 of the CRB1 protein (p.Pro194Ser). This variant is present in population databases (no rsID available, gnomAD 0.006%). This variant has not been reported in the literature in individuals affected with CRB1-related conditions. Advanced modeling of protein sequence and biophysical properties (such as structural, functional, and spatial information, amino acid conservation, physicochemical variation, residue mobility, and thermodynamic stability) performed at Invitae indicates that this missense variant is expected to disrupt CRB1 protein function. In summary, the available evidence is currently insufficient to determine the role of this variant in disease. Therefore, it has been classified as a Variant of Uncertain Significance.

NM_201253.3(CRB1):c.580C>T (p.Pro194Ser)

Gene: CRB1 (crumbs cell polarity complex component 1; plus strand). Cytogenetic location: 1q31.3.
Variant type: single nucleotide variant.
Coding change: c.580C>T on transcript NM_201253.3 (MANE Select); coding-DNA position 580, C replaced by T.
Protein change: p.Pro194Ser; replaces proline 194 with serine.
Molecular consequence: missense variant. On other transcripts: non-coding transcript variant (2).
Genome position (GRCh38, 1-based): chr1:197,328,931, C>T. VCF-style: chr1-197328931-C-T. GRCh37 (hg19) VCF-style: chr1-197298061-C-T.
Other names: c.580C>T, p.Pro194Ser (NM_001193640.2, NM_001257966.2); c.373C>T, p.Pro125Ser (NM_001257965.2); short protein forms P194S, P125S.
Identifiers: ClinVar variation 1507321 (VCV001507321.5), dbSNP rs772447283, ClinGen allele CA344081599.